The following is an entry in ClinVar:

NM_000516.7(GNAS):c.570T>G (p.Tyr190Ter)

Gene: GNAS (GNAS complex locus; plus strand). Cytogenetic location: 20q13.32.
Variant type: single nucleotide variant.
Coding change: c.570T>G on transcript NM_000516.7 (MANE Select); coding-DNA position 570, T replaced by G.
Protein change: p.Tyr190Ter; replaces tyrosine 190 with a stop codon.
Molecular consequence: nonsense. On other transcripts: 3 prime UTR variant (2).
Genome position (GRCh38, 1-based): chr20:58,909,201, T>G. VCF-style: chr20-58909201-T-G. GRCh37 (hg19) VCF-style: chr20-57484256-T-G.
Other names: c.573T>G, p.Tyr191Ter (NM_001077488.5); c.525T>G, p.Tyr175Ter (NM_001077489.4); c.*431T>G (NM_001077490.3); c.393T>G, p.Tyr131Ter (NM_001309840.2, NM_001309861.2); c.474T>G, p.Tyr158Ter (NM_001410912.1); c.2454T>G, p.Tyr818Ter (NM_001410913.1); c.*476T>G (NM_016592.5); c.2499T>G, p.Tyr833Ter (NM_080425.4); and 1 more; short protein forms Y175*, Y176*, Y818*, Y131*, Y158*, Y191*, Y833*, Y190*.
Identifiers: ClinVar variation 3656449 (VCV003656449.2).

ClinVar aggregate classification (germline): Pathogenic (1 of 4 stars; one submission).

Submission:

Labcorp Genetics (formerly Invitae), Labcorp
Classification: Pathogenic. Last evaluated: 2024-06-19. Review status: criteria provided, single submitter. Criteria: Invitae Variant Classification Sherloc (09022015). Collection method: clinical testing. Allele origin: germline.
Comment: This sequence change creates a premature translational stop signal (p.Tyr190*) in the GNAS gene. It is expected to result in an absent or disrupted protein product. Loss-of-function variants in GNAS are known to be pathogenic (PMID: 11784876, 23281139, 23796510, 25802881). This variant is not present in population databases (gnomAD no frequency). This variant has not been reported in the literature in individuals affected with GNAS-related conditions. For these reasons, this variant has been classified as Pathogenic.

Literature cited by the submitters: PubMed 11784876; PubMed 23281139; PubMed 23796510; PubMed 25802881.